The following is an entry in ClinVar:

ClinVar aggregate classification (germline): Pathogenic. Review status: criteria provided, multiple submitters, no conflicts (2 of 4 stars). 6 submissions from 6 submitters: Pathogenic (6). Last evaluated 2024-10-03.

Conditions:
Sotos syndrome (SOTOS). Also called: Distinctive facial appearance, overgrowth in childhood, and learning disabilities or delayed development; CEREBRAL GIGANTISM; Sotos' syndrome; CHROMOSOME 5q35 DELETION SYNDROME; SOTOS SYNDROME 1. Identifiers: Orphanet 821, MedGen C0175695, MONDO:0019349, OMIM 117550.
NSD1-related disorder. Also called: NSD1-related condition.

Allele frequency attached by ClinVar (database versions not stated): gnomAD exomes below 0.00001 and 0.00001.
gnomAD v4.1: 2 of 1,614,194 alleles (0.00012%); highest among the groups gnomAD compares: Admixed American, 0.0017%; no homozygotes.

Submissions (6):

Blueprint Genetics
Classification: Pathogenic for NSD1-related disorders. Last evaluated: 2024-10-03. Review status: criteria provided, single submitter. Criteria: ACMG Guidelines, 2015. Collection method: clinical testing. Allele origin: germline. Affected: yes. Observed: 1 variant allele.

Labcorp Genetics (formerly Invitae), Labcorp
Classification: Pathogenic. Last evaluated: 2024-03-04. Review status: criteria provided, single submitter. Criteria: Invitae Variant Classification Sherloc (09022015). Collection method: clinical testing. Allele origin: germline.
Comment: This sequence change replaces arginine, which is basic and polar, with cysteine, which is neutral and slightly polar, at codon 1914 of the NSD1 protein (p.Arg1914Cys). This variant is present in population databases (rs587784154, gnomAD 0.01%). This missense change has been observed in individuals with Sotos syndrome (PMID: 15452385, 17565729). ClinVar contains an entry for this variant (Variation ID: 159375). Advanced modeling of protein sequence and biophysical properties (such as structural, functional, and spatial information, amino acid conservation, physicochemical variation, residue mobility, and thermodynamic stability) performed at Invitae indicates that this missense variant is expected to disrupt NSD1 protein function with a positive predictive value of 95%. Experimental studies have shown that this missense change affects NSD1 function (PMID: 21196496). This variant disrupts the p.Arg1914Cys amino acid residue in NSD1. Other variant(s) that disrupt this residue have been determined to be pathogenic (Invitae). This suggests that this residue is clinically significant, and that variants that disrupt this residue are likely to be disease-causing. For these reasons, this variant has been classified as Pathogenic.

Laboratory of Medical Genetics, National & Kapodistrian University of Athens
Classification: Pathogenic for Sotos syndrome. Last evaluated: 2023-01-27. Review status: criteria provided, single submitter. Criteria: ACMG Guidelines, 2015. Collection method: clinical testing. Allele origin: maternal. Affected: yes.
Comment: PM1, PM2, PM5, PP3, PP5

Genome-Nilou Lab
Classification: Pathogenic for Sotos syndrome. Last evaluated: 2021-07-15. Review status: criteria provided, single submitter. Criteria: ACMG Guidelines, 2015. Collection method: clinical testing. Allele origin: germline. Affected: no.

GeneDx
Classification: Pathogenic. Last evaluated: 2021-04-16. Review status: criteria provided, single submitter. Criteria: GeneDx Variant Classification Process June 2021. Collection method: clinical testing. Allele origin: germline. Affected: yes.
Comment: Published functional studies demonstrate a damaging effect with reduced H3K36 histone lysine methyltransferase activity compared to wild-type (Qiao et al., 2011); In silico analysis supports that this missense variant has a deleterious effect on protein structure/function; This variant is associated with the following publications: (PMID: 15942875, 21196496, 15452385, 17565729, 28475857)

Genetic Services Laboratory, University of Chicago
Classification: Pathogenic for Sotos syndrome 1. Last evaluated: 2013-02-08. Review status: criteria provided, single submitter. Criteria: ACMG Guidelines, 2007. Collection method: clinical testing. Allele origin: germline. Inheritance: Autosomal dominant inheritance. Affected: yes.

Literature cited by the submitters: PubMed 15452385 (cited by Labcorp Genetics (formerly Invitae), Labcorp); PubMed 17565729 (cited by Labcorp Genetics (formerly Invitae), Labcorp); PubMed 21196496 (cited by Labcorp Genetics (formerly Invitae), Labcorp).

NM_022455.5(NSD1):c.5740C>T (p.Arg1914Cys)

Gene: NSD1 (nuclear receptor binding SET domain protein 1; plus strand). Cytogenetic location: 5q35.3.
Variant type: single nucleotide variant.
Coding change: c.5740C>T on transcript NM_022455.5 (MANE Select); coding-DNA position 5740, C replaced by T.
Protein change: p.Arg1914Cys; replaces arginine 1914 with cysteine.
Molecular consequence: missense variant.
Genome position (GRCh38, 1-based): chr5:177,280,682, C>T. VCF-style: chr5-177280682-C-T. GRCh37 (hg19) VCF-style: chr5-176707683-C-T.
Other names: c.4867C>T, p.Arg1623Cys (NM_001365684.2, NM_001409308.1, NM_001409309.1 and 1 more transcripts); c.5740C>T, p.Arg1914Cys (NM_001409301.1, NM_001409302.1, NM_001409303.1); c.5320C>T, p.Arg1774Cys (NM_001409304.1); c.4987C>T, p.Arg1663Cys (NM_001409305.1); c.4978C>T, p.Arg1660Cys (NM_001409306.1, NM_001409307.1); short protein forms R1914C, R1645C, R1660C, R1623C, R1663C, R1774C.
Identifiers: ClinVar variation 159375 (VCV000159375.14), dbSNP rs587784154, ClinGen allele CA294974.